The following is an entry in ClinVar:

NM_020686.6(ABAT):c.1202G>A (p.Arg401Gln)

Gene: ABAT (4-aminobutyrate aminotransferase; plus strand). Cytogenetic location: 16p13.2.
Variant type: single nucleotide variant.
Coding change: c.1202G>A on transcript NM_020686.6 (MANE Select); coding-DNA position 1202, G replaced by A.
Protein change: p.Arg401Gln; replaces arginine 401 with glutamine.
Molecular consequence: missense variant.
Genome position (GRCh38, 1-based): chr16:8,776,423, G>A. VCF-style: chr16-8776423-G-A. GRCh37 (hg19) VCF-style: chr16-8870280-G-A.
Other names: c.1202G>A, p.Arg401Gln (NM_000663.5, NM_001386603.1, NM_001386604.1 and 6 more transcripts); c.1004G>A, p.Arg335Gln (NM_001386613.1, NM_001386612.1); c.956G>A, p.Arg319Gln (NM_001386614.1); c.1298G>A, p.Arg433Gln (NM_001386615.1); c.1163G>A, p.Arg388Gln (NM_001386605.1); c.1139G>A, p.Arg380Gln (NM_001386606.1, NM_001386607.1); c.1109G>A, p.Arg370Gln (NM_001386608.1); c.1067G>A, p.Arg356Gln (NM_001386610.1, NM_001386611.1); short protein forms R319Q, R335Q, R356Q, R370Q, R380Q, R388Q, R401Q, R433Q.
Identifiers: ClinVar variation 1162787 (VCV001162787.11), dbSNP rs187929750, ClinGen allele CA7893458.

ClinVar aggregate classification (germline): Uncertain significance. Review status: criteria provided, multiple submitters, no conflicts (2 of 4 stars). 3 submissions from 3 submitters: Uncertain significance (3). Last evaluated 2025-07-15.

Conditions:
Inborn genetic diseases. Identifiers: MedGen C0950123, MeSH D030342.
Gamma-aminobutyric acid transaminase deficiency (GABATD). Also called: GABA aminotransaminase deficiency; GABA transaminase deficiency; Gamma aminobutyrate transaminase deficiency; 4 alpha aminobutyrate transaminase deficiency. Identifiers: Orphanet 2066, MedGen C0342708, MONDO:0013166, OMIM 613163.

Allele frequency attached by ClinVar (database versions not stated): gnomAD exomes 0.00004 and 0.00007; ExAC 0.00005; TOPMed 0.00005; gnomAD 0.00006 and 0.00009; ESP Exome Variant Server 0.00008; 1000 Genomes Project 30x 0.00016; 1000 Genomes Project 0.00020.
gnomAD v4.1: 70 of 1,614,186 alleles (0.0043%); highest among the groups gnomAD compares: South Asian, 0.032%; no homozygotes.

Submissions (3):

Ambry Genetics
Classification: Uncertain significance for Inborn genetic diseases. Last evaluated: 2025-07-15. Review status: criteria provided, single submitter. Criteria: Ambry Variant Classification Scheme 2023. Collection method: clinical testing. Allele origin: germline.

Labcorp Genetics (formerly Invitae), Labcorp
Classification: Uncertain significance for Gamma-aminobutyric acid transaminase deficiency. Last evaluated: 2022-07-12. Review status: criteria provided, single submitter. Criteria: Invitae Variant Classification Sherloc (09022015). Collection method: clinical testing. Allele origin: germline.
Comment: This sequence change replaces arginine, which is basic and polar, with glutamine, which is neutral and polar, at codon 401 of the ABAT protein (p.Arg401Gln). This variant is present in population databases (rs187929750, gnomAD 0.03%). This variant has not been reported in the literature in individuals affected with ABAT-related conditions. ClinVar contains an entry for this variant (Variation ID: 1162787). Algorithms developed to predict the effect of missense changes on protein structure and function output the following: SIFT: "Tolerated"; PolyPhen-2: "Benign"; Align-GVGD: "Class C0". The glutamine amino acid residue is found in multiple mammalian species, which suggests that this missense change does not adversely affect protein function. Algorithms developed to predict the effect of sequence changes on RNA splicing suggest that this variant may create or strengthen a splice site. In summary, the available evidence is currently insufficient to determine the role of this variant in disease. Therefore, it has been classified as a Variant of Uncertain Significance.

Mayo Clinic Laboratories, Mayo Clinic
Classification: Uncertain significance. Last evaluated: 2020-11-24. Review status: criteria provided, single submitter. Criteria: ACMG Guidelines, 2015. Collection method: clinical testing. Allele origin: germline. Observed: 1 variant allele.